The following is an entry in ClinVar:

NM_004260.4(RECQL4):c.299G>A (p.Gly100Asp)

Gene: RECQL4 (RecQ like helicase 4; minus strand). Cytogenetic location: 8q24.3.
Variant type: single nucleotide variant.
Coding change: c.299G>A on transcript NM_004260.4 (MANE Select); coding-DNA position 299, G replaced by A.
Protein change: p.Gly100Asp; replaces glycine 100 with aspartic acid.
Molecular consequence: missense variant.
Genome position (GRCh38, 1-based): chr8:144,517,105, C>T on the plus strand (G>A on the coding strand, the complement: RECQL4 is on the minus strand). VCF-style: chr8-144517105-C-T. GRCh37 (hg19) VCF-style: chr8-145742489-C-T.
Other names: short protein forms G100D.
Identifiers: ClinVar variation 961292 (VCV000961292.6), dbSNP rs1815236076, ClinGen allele CA372692089.
Genomic context (GRCh38, chr8:144,517,105, plus strand): 5'-CTCACCTGCAGGGTGCCTTTCAGATTGGCCTTGAGCCGCTGCCCGTAGTCCGGCACCGAG[C>T]CCTGGCGGCTCCGCCCTGGCGTAGACTGTGGACTCTTGGTCGCAGCCCGATTCAGATGGG-3'
Protein context (NP_004251.4, residues 90-110): PQSTPGRSRQ[Gly100Asp]SVPDYGQRLK

ClinVar aggregate classification (germline): Uncertain significance (1 of 4 stars; one submission).

Conditions:
Baller-Gerold syndrome (BGS). Also called: CRANIOSYNOSTOSIS WITH RADIAL DEFECTS. Identifiers: Orphanet 1225, MedGen C0265308, MONDO:0009039, OMIM 218600.

Allele frequency attached by ClinVar (database versions not stated): gnomAD exomes below 0.00001.
gnomAD v4.1: 1 of 1,612,418 alleles (0.000062%); highest among the groups gnomAD compares: Non-Finnish European, 0.000085%; no homozygotes.

Submission:

Labcorp Genetics (formerly Invitae), Labcorp
Classification: Uncertain significance for Baller-Gerold syndrome. Last evaluated: 2024-10-02. Review status: criteria provided, single submitter. Criteria: Invitae Variant Classification Sherloc (09022015). Collection method: clinical testing. Allele origin: germline.
Comment: This sequence change replaces glycine, which is neutral and non-polar, with aspartic acid, which is acidic and polar, at codon 100 of the RECQL4 protein (p.Gly100Asp). This variant is not present in population databases (gnomAD no frequency). This variant has not been reported in the literature in individuals affected with RECQL4-related conditions. ClinVar contains an entry for this variant (Variation ID: 961292). Invitae Evidence Modeling of protein sequence and biophysical properties (such as structural, functional, and spatial information, amino acid conservation, physicochemical variation, residue mobility, and thermodynamic stability) indicates that this missense variant is not expected to disrupt RECQL4 protein function with a negative predictive value of 80%. In summary, the available evidence is currently insufficient to determine the role of this variant in disease. Therefore, it has been classified as a Variant of Uncertain Significance.